The following is an entry in ClinVar:

ClinVar aggregate classification (germline): Uncertain significance (1 of 4 stars; one submission).

Conditions:
TTN-related disorder. Also called: TTN-related condition; TTN-related disease; TTN-related disorders.

Submission:

PreventionGenetics, part of Exact Sciences
Classification: Uncertain significance for TTN-related condition. Last evaluated: 2023-05-22. Review status: criteria provided, single submitter. Criteria: ACMG Guidelines, 2015. Collection method: clinical testing. Allele origin: germline.
Comment: The TTN c.19040C>G variant is predicted to result in the amino acid substitution p.Ala6347Gly. To our knowledge, this variant has not been reported in the literature or in a large population database, indicating this variant is rare. At this time, the clinical significance of this variant is uncertain due to the absence of conclusive functional and genetic evidence.

NM_001267550.2(TTN):c.19040C>G (p.Ala6347Gly)

Gene: TTN (titin; minus strand). Cytogenetic location: 2q31.2.
Variant type: single nucleotide variant.
Coding change: c.19040C>G on transcript NM_001267550.2 (MANE Select); coding-DNA position 19040, C replaced by G.
Protein change: p.Ala6347Gly; replaces alanine 6347 with glycine.
Molecular consequence: missense variant. On other transcripts: intron variant (3).
Genome position (GRCh38, 1-based): chr2:178,728,998, G>C on the plus strand (C>G on the coding strand, the complement: TTN is on the minus strand). VCF-style: chr2-178728998-G-C. GRCh37 (hg19) VCF-style: chr2-179593725-G-C.
Other names: c.18089C>G, p.Ala6030Gly (NM_001256850.1); c.15308C>G, p.Ala5103Gly (NM_133378.4); c.13282+9084C>G (NM_003319.4); c.13858+9084C>G (NM_133437.4); c.13657+9084C>G (NM_133432.3); short protein forms A5103G, A6030G, A6347G.
Identifiers: ClinVar variation 2633163 (VCV002633163.1), dbSNP rs2529898423, ClinGen allele CA349558340.